The following is an entry in ClinVar:

NM_001127198.5(TMC6):c.554C>T (p.Pro185Leu)

Genes: TMC6 (transmembrane channel like 6; minus strand), LOC130061786 (ATAC-STARR-seq lymphoblastoid silent region 9039; plus strand). Cytogenetic location: 17q25.3.
Variant type: single nucleotide variant.
Coding change: c.554C>T on transcript NM_001127198.5 (MANE Select); coding-DNA position 554, C replaced by T.
Protein change: p.Pro185Leu; replaces proline 185 with leucine.
Molecular consequence: missense variant. On other transcripts: non-coding transcript variant (3).
Genome position (GRCh38, 1-based): chr17:78,124,968, G>A on the plus strand (C>T on the coding strand, the complement: TMC6 is on the minus strand). VCF-style: chr17-78124968-G-A. GRCh37 (hg19) VCF-style: chr17-76121049-G-A.
Other names: c.554C>T, p.Pro185Leu (NM_001321185.1, NM_001374593.1, NM_001374594.1 and 4 more transcripts); short protein forms P185L.
Identifiers: ClinVar variation 526240 (VCV000526240.6), dbSNP rs373631928, ClinGen allele CA8796078.

ClinVar aggregate classification (germline): Uncertain significance (1 of 4 stars; one submission).

Conditions:
Epidermodysplasia verruciformis. Identifiers: Orphanet 302, MedGen C0014522, MONDO:0009176.

Allele frequency attached by ClinVar (database versions not stated): gnomAD exomes 0.00003 and 0.00009; ESP Exome Variant Server 0.00016; ExAC 0.00021; 1000 Genomes Project 30x 0.00031; gnomAD 0.00031 and 0.00034; 1000 Genomes Project 0.00040; TOPMed 0.00043.
gnomAD v4.1: 96 of 1,593,448 alleles (0.006%); highest among the groups gnomAD compares: African/African-American, 0.099%; no homozygotes.

Submission:

Labcorp Genetics (formerly Invitae), Labcorp
Classification: Uncertain significance for Epidermodysplasia verruciformis. Last evaluated: 2022-08-19. Review status: criteria provided, single submitter. Criteria: Invitae Variant Classification Sherloc (09022015). Collection method: clinical testing. Allele origin: germline.
Comment: This sequence change replaces proline, which is neutral and non-polar, with leucine, which is neutral and non-polar, at codon 185 of the TMC6 protein (p.Pro185Leu). This variant is present in population databases (rs373631928, gnomAD 0.1%). This variant has not been reported in the literature in individuals affected with TMC6-related conditions. ClinVar contains an entry for this variant (Variation ID: 526240). Algorithms developed to predict the effect of missense changes on protein structure and function output the following: SIFT: "Not Available"; PolyPhen-2: "Benign"; Align-GVGD: "Not Available". The leucine amino acid residue is found in multiple mammalian species, which suggests that this missense change does not adversely affect protein function. In summary, the available evidence is currently insufficient to determine the role of this variant in disease. Therefore, it has been classified as a Variant of Uncertain Significance.